The following is an entry in ClinVar:

ClinVar aggregate classification (germline): Likely benign. Review status: criteria provided, multiple submitters, no conflicts (2 of 4 stars). 3 submissions from 3 submitters: Likely benign (3). Last evaluated 2026-09-21.

gnomAD v4.1: 430 of 1,611,056 alleles (0.027%); highest among the groups gnomAD compares: Non-Finnish European, 0.019%; 1 homozygote.

Submissions (3):

Molecular Diagnostic Laboratory for Inherited Cardiovascular Disease, Montreal Heart Institute
Classification: Likely benign. Last evaluated: 2026-09-21. Review status: criteria provided, single submitter. Criteria: ACMG Guidelines, 2015. Collection method: clinical testing. Allele origin: germline. Affected: no.
Comment: BS1;BP7

Mayo Clinic Laboratories, Mayo Clinic
Classification: Likely benign. Last evaluated: 2025-10-22. Review status: criteria provided, single submitter. Criteria: ACMG Guidelines, 2015. Collection method: clinical testing. Allele origin: germline. Observed: 2 variant alleles.
Comment: BP4, BP7

Laboratory of Genetics, Children's Clinical University Hospital Latvia
Classification: Likely benign. Last evaluated: 2025-02-16. Review status: criteria provided, single submitter. Criteria: ACMG Guidelines, 2015. Collection method: clinical testing. Allele origin: germline. Affected: yes.

NM_005070.4(SLC4A3):c.2571C>T (p.Pro857=)

Gene: SLC4A3 (solute carrier family 4 member 3; plus strand). Cytogenetic location: 2q35.
Variant type: single nucleotide variant.
Coding change: c.2571C>T on transcript NM_005070.4 (MANE Select); coding-DNA position 2571, C replaced by T.
Protein change: p.Pro857=; no amino-acid change (proline 857 retained).
Molecular consequence: synonymous variant. On other transcripts: non-coding transcript variant (1).
Genome position (GRCh38, 1-based): chr2:219,637,616, C>T. VCF-style: chr2-219637616-C-T. GRCh37 (hg19) VCF-style: chr2-220502338-C-T.
Other names: p.Pro884=; c.2571C>T (NM_005070.3); c.2652C>T, p.Pro884= (NM_001326559.2, NM_201574.3); c.2652C>T (NM_201574.2).
Identifiers: ClinVar variation 3910252 (VCV003910252.3), dbSNP rs201752830.